The following is an entry in ClinVar:

ClinVar aggregate classification (germline): Uncertain significance (1 of 4 stars; one submission).

Conditions:
Severe combined immunodeficiency due to IKK2 deficiency. Also called: Immunodeficiency 15; IMMUNODEFICIENCY 15B. Identifiers: Orphanet 397787, MedGen C4747743, MONDO:0014267, OMIM 615592.

Allele frequency attached by ClinVar (database versions not stated): gnomAD 0.00001 and 0.00002; ExAC 0.00002; TOPMed 0.00002; gnomAD exomes 0.00004 and 0.00007.
gnomAD v4.1: 105 of 1,613,856 alleles (0.0065%); highest among the groups gnomAD compares: Non-Finnish European, 0.0075%; no homozygotes.

Submission:

Labcorp Genetics (formerly Invitae), Labcorp
Classification: Uncertain significance for Severe combined immunodeficiency due to IKK2 deficiency. Last evaluated: 2025-04-13. Review status: criteria provided, single submitter. Criteria: Invitae Variant Classification Sherloc (09022015). Collection method: clinical testing. Allele origin: germline.
Comment: This sequence change replaces glutamic acid, which is acidic and polar, with lysine, which is basic and polar, at codon 240 of the IKBKB protein (p.Glu240Lys). This variant is present in population databases (rs201052871, gnomAD 0.006%). This variant has not been reported in the literature in individuals affected with IKBKB-related conditions. ClinVar contains an entry for this variant (Variation ID: 474793). Invitae Evidence Modeling of protein sequence and biophysical properties (such as structural, functional, and spatial information, amino acid conservation, physicochemical variation, residue mobility, and thermodynamic stability) indicates that this missense variant is not expected to disrupt IKBKB protein function with a negative predictive value of 95%. In summary, the available evidence is currently insufficient to determine the role of this variant in disease. Therefore, it has been classified as a Variant of Uncertain Significance.

NM_001556.3(IKBKB):c.718G>A (p.Glu240Lys)

Gene: IKBKB (inhibitor of nuclear factor kappa B kinase subunit beta; plus strand). Cytogenetic location: 8p11.21.
Variant type: single nucleotide variant.
Coding change: c.718G>A on transcript NM_001556.3 (MANE Select); coding-DNA position 718, G replaced by A.
Protein change: p.Glu240Lys; replaces glutamic acid 240 with lysine.
Molecular consequence: missense variant. On other transcripts: non-coding transcript variant (3).
Genome position (GRCh38, 1-based): chr8:42,314,347, G>A. VCF-style: chr8-42314347-G-A. GRCh37 (hg19) VCF-style: chr8-42171865-G-A.
Other names: c.526G>A, p.Glu176Lys (NM_001190720.3); c.541G>A, p.Glu181Lys (NM_001242778.2); short protein forms E240K, E181K, E176K.
Identifiers: ClinVar variation 474793 (VCV000474793.8), dbSNP rs201052871, ClinGen allele CA4731782.